The following is an entry in ClinVar:

NM_001267550.2(TTN):c.60623T>C (p.Ile20208Thr)

Genes: TTN-AS1 (TTN antisense RNA 1; plus strand), TTN (titin; minus strand). Cytogenetic location: 2q31.2.
Variant type: single nucleotide variant.
Coding change: c.60623T>C on transcript NM_001267550.2 (MANE Select); coding-DNA position 60623, T replaced by C.
Protein change: p.Ile20208Thr; replaces isoleucine 20208 with threonine.
Molecular consequence: missense variant.
Genome position (GRCh38, 1-based): chr2:178,591,102, A>G on the plus strand (T>C on the coding strand, the complement: TTN is on the minus strand). VCF-style: chr2-178591102-A-G. GRCh37 (hg19) VCF-style: chr2-179455829-A-G.
Other names: c.55700T>C, p.Ile18567Thr (NM_001256850.1); c.33428T>C, p.Ile11143Thr (NM_003319.4); c.52919T>C, p.Ile17640Thr (NM_133378.4); c.33803T>C, p.Ile11268Thr (NM_133432.3); c.34004T>C, p.Ile11335Thr (NM_133437.4); short protein forms I17640T, I20208T, I11268T, I18567T, I11143T, I11335T.
Identifiers: ClinVar variation 500923 (VCV000500923.15), dbSNP rs752768925, ClinGen allele CA1992467.

ClinVar aggregate classification (germline): Uncertain significance. Review status: criteria provided, multiple submitters, no conflicts (2 of 4 stars). 4 submissions from 4 submitters: Uncertain significance (4). Last evaluated 2025-07-01.

Conditions:
Dilated cardiomyopathy 1G (CMD1G). Identifiers: Orphanet 154, MedGen C1858763, MONDO:0011400, OMIM 604145.
Myopathy, myofibrillar, 9, with early respiratory failure (MFM9). Also called: Myopathy, distal, with early respiratory failure, autosomal dominant; Hereditary myopathy with early respiratory failure; MYOPATHY, PROXIMAL, WITH EARLY RESPIRATORY MUSCLE INVOLVEMENT; EDSTROM MYOPATHY. Identifiers: Orphanet 178464, Orphanet 34521, MedGen C1863599, MONDO:0011362, OMIM 603689.
Hypertrophic cardiomyopathy 9. Also called: Familial hypertrophic cardiomyopathy 9. Identifiers: MedGen C1861065, MONDO:0013412, OMIM 613765.
Autosomal recessive limb-girdle muscular dystrophy type 2J (LGMDR10). Also called: Limb-girdle muscular dystrophy, type 2J; MUSCULAR DYSTROPHY, LIMB-GIRDLE, AUTOSOMAL RECESSIVE 10. Identifiers: Orphanet 140922, MedGen C1837342, MONDO:0012127, OMIM 608807.
Tibial muscular dystrophy (TMD). Also called: Udd Distal Myopathy – Tibial Muscular Dystrophy; Tibial muscular dystrophy, tardive; UDD MYOPATHY. Identifiers: Orphanet 609, MedGen C1838244, MONDO:0010870, OMIM 600334.
Early-onset myopathy with fatal cardiomyopathy (CMYO5). Also called: CONGENITAL MYOPATHY 5 WITH CARDIOMYOPATHY; Salih Myopathy. Identifiers: Orphanet 289377, MedGen C2673677, MONDO:0012714, OMIM 611705. Disease mechanism: loss of function.

Allele frequency attached by ClinVar (database versions not stated): ExAC 0.00001; gnomAD 0.00002; gnomAD exomes 0.00002 and 0.00004; TOPMed 0.00002.
gnomAD v4.1: 63 of 1,613,164 alleles (0.0039%); highest among the groups gnomAD compares: Non-Finnish European, 0.0052%; no homozygotes.

Submissions (4):

CeGaT Center for Human Genetics Tuebingen
Classification: Uncertain significance. Last evaluated: 2025-07-01. Review status: criteria provided, single submitter. Criteria: CeGaT Center For Human Genetics Tuebingen Variant Classification Criteria Version 2. Collection method: clinical testing. Allele origin: germline. Affected: yes. Observed: 1 variant allele.
Comment: TTN: PM2, PM3:Supporting

Fulgent Genetics
Classification: Uncertain significance for Tibial muscular dystrophy; Myopathy, myofibrillar, 9, with early respiratory failure; Dilated cardiomyopathy 1G; Autosomal recessive limb-girdle muscular dystrophy type 2J; Early-onset myopathy with fatal cardiomyopathy; Hypertrophic cardiomyopathy 9. Last evaluated: 2021-10-11. Review status: criteria provided, single submitter. Criteria: ACMG Guidelines, 2015. Collection method: clinical testing. Allele origin: unknown.

Athena Diagnostics
Classification: Uncertain significance. Last evaluated: 2019-05-06. Review status: criteria provided, single submitter. Criteria: Athena Diagnostics Criteria. Collection method: clinical testing. Allele origin: germline.

Eurofins Ntd Llc (ga)
Classification: Uncertain significance. Last evaluated: 2017-03-17. Review status: criteria provided, single submitter. Criteria: EGL Classification Definitions 2015. Collection method: clinical testing. Allele origin: germline. Observed: 1 variant allele, 1 heterozygote.